The following is an entry in ClinVar:

NM_000860.6(HPGD):c.120del (p.Ala41fs)

Gene: HPGD (15-hydroxyprostaglandin dehydrogenase; minus strand). Cytogenetic location: 4q34.1.
Variant type: Deletion.
Coding change: c.120del on transcript NM_000860.6 (MANE Select); coding-DNA position 120, one base deleted (A; older notation c.120delA).
Protein change: p.Ala41fs; shifts the reading frame from alanine 41.
Molecular consequence: frameshift variant. On other transcripts: 5 prime UTR variant (2).
Genome position (GRCh38, 1-based): chr4:174,522,041, T deleted on the plus strand (A on the coding strand, the reverse complement: HPGD is on the minus strand); the first of 2 consecutive T bases (chr4:174,522,041-174,522,042); deleting either gives the same sequence. VCF-style (leftmost placement, unchanged base first): chr4-174522040-CT-C. GRCh37 (hg19) VCF-style: chr4-175443191-CT-C.
Other names: c.120del, p.Ala41fs (NM_001145816.3, NM_001256305.2, NM_001256306.2 and 1 more transcripts); c.-244del (NM_001256301.1); c.-137del (NM_001256307.2); short protein forms A41fs.
Identifiers: ClinVar variation 2203595 (VCV002203595.7), dbSNP rs769423339, ClinGen allele CA3142385.
Genomic context (GRCh38, chr4:174,522,040, plus strand): 5'-TGAACAGAGTCTTCTGAGGTTCAAACTGCTCATCCAGGGCAGCTTTACACTGTACACCTG[CT>C]TCAAGATTCCAATCCACCAGCGCTACCTATAGACAAGAGGAGAGGAATCGCGGGCCTGCG-3'

ClinVar aggregate classification (germline): Pathogenic. Review status: criteria provided, multiple submitters, no conflicts (2 of 4 stars). 5 submissions from 5 submitters: Pathogenic (5). Last evaluated 2026-06-15.

Conditions:
HPGD-related disorder. Also called: HPGD-related disorders; HPGD-related condition.
Autosomal recessive primary hypertrophic osteoarthropathy.
Hypertrophic osteoarthropathy, primary, autosomal recessive, 1 (PHOAR1). Also called: PHO, AUTOSOMAL RECESSIVE. Identifiers: Orphanet 1525, Orphanet 2796, MedGen C4551679, MONDO:0024546, OMIM 259100.

Submissions (5):

Genetics Laboratory, Great Ormond Street Hospital NHS Foundation Trust, North Thames Genomic Laboratory Hub
Classification: Pathogenic for Autosomal recessive primary hypertrophic osteoarthropathy. Last evaluated: 2026-06-15. Review status: criteria provided, single submitter. Criteria: ACGS Best Practice Guidelines for Variant Classification in Rare Disease 2024 v1.2. Collection method: clinical testing. Allele origin: germline. Affected: yes.
Comment: PVS1_very-strong, PM3_moderate

Labcorp Genetics (formerly Invitae), Labcorp
Classification: Pathogenic. Last evaluated: 2024-12-18. Review status: criteria provided, single submitter. Criteria: Invitae Variant Classification Sherloc (09022015). Collection method: clinical testing. Allele origin: germline.
Comment: This sequence change creates a premature translational stop signal (p.Ala41Glnfs*31) in the HPGD gene. It is expected to result in an absent or disrupted protein product. Loss-of-function variants in HPGD are known to be pathogenic (PMID: 18500342, 19568269, 24533558, 24816859). This variant is present in population databases (rs769423339, gnomAD 0.01%). This premature translational stop signal has been observed in individual(s) with clinical features of primary hypertrophic osteoarthropathy (PMID: 19568269, 30292630). ClinVar contains an entry for this variant (Variation ID: 2203595). For these reasons, this variant has been classified as Pathogenic.

Clinical Genetics Laboratory, Skane University Hospital Lund
Classification: Pathogenic for Hypertrophic osteoarthropathy, primary, autosomal recessive, 1. Last evaluated: 2024-11-12. Review status: criteria provided, single submitter. Criteria: ACMG Guidelines, 2015. Collection method: clinical testing. Allele origin: germline. Inheritance: Autosomal recessive inheritance. Affected: yes.
Comment: ACMG criteria used: PVS1, PS4 and PM2.

Department of Human Genetics, Hannover Medical School
Classification: Pathogenic for Hypertrophic osteoarthropathy, primary, autosomal recessive, 1. Last evaluated: 2024-06-25. Review status: criteria provided, single submitter. Criteria: ACMG Guidelines, 2015. Collection method: clinical testing. Allele origin: germline. Inheritance: Autosomal recessive inheritance. Affected: yes.

Blueprint Genetics
Classification: Pathogenic for HPGD-related disorders. Last evaluated: 2020-01-03. Review status: criteria provided, single submitter. Criteria: ACMG Guidelines, 2015. Collection method: clinical testing. Allele origin: germline. Affected: yes. Observed: 3 variant alleles.

Literature cited by the submitters: PubMed 18500342 (cited by Labcorp Genetics (formerly Invitae), Labcorp); PubMed 19568269 (cited by Labcorp Genetics (formerly Invitae), Labcorp); PubMed 24533558 (cited by Labcorp Genetics (formerly Invitae), Labcorp); PubMed 24816859 (cited by Labcorp Genetics (formerly Invitae), Labcorp); PubMed 30292630 (cited by Labcorp Genetics (formerly Invitae), Labcorp).